The following is an entry in ClinVar:

ClinVar aggregate classification (germline): Uncertain significance (1 of 4 stars; one submission).

Allele frequency attached by ClinVar (database versions not stated): gnomAD exomes below 0.00001; TOPMed below 0.00001; gnomAD 0.00001.
gnomAD v4.1: 2 of 985,904 alleles (0.0002%); highest among the groups gnomAD compares: Non-Finnish European, 0.00024%; no homozygotes.

Submission:

GeneDx
Classification: Uncertain significance. Last evaluated: 2018-03-28. Review status: criteria provided, single submitter. Criteria: GeneDx Variant Classification (06012015). Collection method: clinical testing. Allele origin: germline. Affected: yes.
Comment: This variant is denoted c.-166-1 G>C: IVS4-1 G>C in intron 4 of the MYPN gene (NM_001256268.1). The c.-166-1 G>C variant has not been published as a mutation or as a benign polymorphism to our knowledge. This variant is predicted to destroy the canonical splice acceptor site in intron 4 and is predicted to cause abnormal gene splicing. However, c.-166-1 G>C is located in an alternate transcript of the MYPN gene where no mutations have been reported and no other splice site mutations in the MYPN gene have been reported in association with cardiomyopathy. Therefore, based on the currently available information, it is unclear whether this variant is a pathogenic mutation or a rare benign variant. The variant is found in CARDIOMYOPATHY panel(s).

NM_032578.4(MYPN):c.903-6731G>C

Gene: MYPN (myopalladin; plus strand). Cytogenetic location: 10q21.3.
Variant type: single nucleotide variant.
Coding change: c.903-6731G>C on transcript NM_032578.4 (MANE Select); 6731 bases into the intron before coding-DNA position 903, G replaced by C.
Molecular consequence: intron variant. On other transcripts: splice acceptor variant (1).
Genome position (GRCh38, 1-based): chr10:68,136,209, G>C. VCF-style: chr10-68136209-G-C. GRCh37 (hg19) VCF-style: chr10-69895966-G-C.
Other names: c.903-6731G>C (NM_001256267.2); c.-166-1G>C (NM_001256268.2).
Identifiers: ClinVar variation 201876 (VCV000201876.2), dbSNP rs794729070, ClinGen allele CA335279.